The following is an entry in ClinVar:

NM_002454.3(MTRR):c.1687C>T (p.Gln563Ter)

Gene: MTRR (5-methyltetrahydrofolate-homocysteine methyltransferase reductase; plus strand). Cytogenetic location: 5p15.31.
Variant type: single nucleotide variant.
Coding change: c.1687C>T on transcript NM_002454.3 (MANE Select); coding-DNA position 1687, C replaced by T.
Protein change: p.Gln563Ter; replaces glutamine 563 with a stop codon.
Molecular consequence: nonsense. On other transcripts: non-coding transcript variant (14).
Genome position (GRCh38, 1-based): chr5:7,896,874, C>T. VCF-style: chr5-7896874-C-T. GRCh37 (hg19) VCF-style: chr5-7896987-C-T.
Other names: c.1687C>T, p.Gln563Ter (NM_001364440.2, NM_001364441.2, NM_001364442.2 and 1 more transcripts); short protein forms Q563*.
Identifiers: ClinVar variation 3645786 (VCV003645786.2).

ClinVar aggregate classification (germline): Pathogenic (1 of 4 stars; one submission).

Conditions:
Methylcobalamin deficiency type cblE (HMAE). Also called: HOMOCYSTINURIA-MEGALOBLASTIC ANEMIA, cblE COMPLEMENTATION TYPE; VITAMIN B12-RESPONSIVE HOMOCYSTINURIA, cblE TYPE; HOMOCYSTINURIA-MEGALOBLASTIC ANEMIA, cblE TYPE. Identifiers: Orphanet 2169, Orphanet 622, MedGen C1856057, MONDO:0009354, OMIM 236270.

Submission:

Labcorp Genetics (formerly Invitae), Labcorp
Classification: Pathogenic for Methylcobalamin deficiency type cblE. Last evaluated: 2024-03-13. Review status: criteria provided, single submitter. Criteria: Invitae Variant Classification Sherloc (09022015). Collection method: clinical testing. Allele origin: germline.
Comment: This sequence change creates a premature translational stop signal (p.Gln563*) in the MTRR gene. It is expected to result in an absent or disrupted protein product. Loss-of-function variants in MTRR are known to be pathogenic (PMID: 15714522). This variant is not present in population databases (gnomAD no frequency). This variant has not been reported in the literature in individuals affected with MTRR-related conditions. For these reasons, this variant has been classified as Pathogenic.

Literature cited by the submitters: PubMed 15714522.